The following is an entry in ClinVar:

NM_018075.5(ANO10):c.1009T>G (p.Phe337Val)

Gene: ANO10 (anoctamin 10; minus strand). Cytogenetic location: 3p22.1.
Variant type: single nucleotide variant.
Coding change: c.1009T>G on transcript NM_018075.5 (MANE Select); coding-DNA position 1009, T replaced by G.
Protein change: p.Phe337Val; replaces phenylalanine 337 with valine.
Molecular consequence: missense variant. On other transcripts: intron variant (1).
Genome position (GRCh38, 1-based): chr3:43,576,845, A>C on the plus strand (T>G on the coding strand, the complement: ANO10 is on the minus strand). VCF-style: chr3-43576845-A-C. GRCh37 (hg19) VCF-style: chr3-43618337-A-C.
Other names: c.676T>G, p.Phe226Val (NM_001204833.3); c.1009T>G, p.Phe337Val (NM_001346463.2, NM_001346464.2, NM_001346465.2 and 3 more transcripts); c.811T>G, p.Phe271Val (NM_001346466.2, NM_001346469.2, NM_001204832.3); c.1009T>G (NM_018075.3); c.593-1981T>G (NM_001204834.3); short protein forms F226V, F271V, F337V.
Identifiers: ClinVar variation 986820 (VCV000986820.31), dbSNP rs1227163239, ClinGen allele CA352343382.
Genomic context (GRCh38, chr3:43,576,845, plus strand): 5'-CACTGGTCCACTCAGACCCGCTGTTCTCATGTAGACCCAAGGCCCAAACCTCCATGTCGA[A>C]GTAAATCATCATGACATACAGTGAGAAATAGAGGCAGAGGCACACGAATGGCAGGGAGAC-3'
Protein context (NP_060545.3, residues 327-347): YFSLYVMMIY[Phe337Val]DMEVWALGLH

ClinVar aggregate classification (germline): Pathogenic/Likely pathogenic. Review status: criteria provided, multiple submitters, no conflicts (2 of 4 stars). 6 submissions from 6 submitters: Pathogenic (3); Likely pathogenic (3). Last evaluated 2026-01-15.

Conditions:
Autosomal recessive spinocerebellar ataxia 10. Identifiers: Orphanet 284289, MedGen C3150998, MONDO:0013392, OMIM 613728.

Allele frequency attached by ClinVar (database versions not stated): TOPMed below 0.00001.
gnomAD v4.1: 11 of 1,614,080 alleles (0.00068%); highest among the groups gnomAD compares: Non-Finnish European, 0.00093%; no homozygotes.

Submissions (6):

Labcorp Genetics (formerly Invitae), Labcorp
Classification: Pathogenic. Last evaluated: 2026-01-15. Review status: criteria provided, single submitter. Criteria: Invitae Variant Classification Sherloc (09022015). Collection method: clinical testing. Allele origin: germline.
Comment: This sequence change replaces phenylalanine, which is neutral and non-polar, with valine, which is neutral and non-polar, at codon 337 of the ANO10 protein (p.Phe337Val). This variant is present in population databases (no rsID available, gnomAD 0.0009%). This missense change has been observed in individuals with spinocerebellar ataxia (PMID: 25089919, 27045840, 34445196). ClinVar contains an entry for this variant (Variation ID: 986820). Invitae Evidence Modeling of protein sequence and biophysical properties (such as structural, functional, and spatial information, amino acid conservation, physicochemical variation, residue mobility, and thermodynamic stability) indicates that this missense variant is not expected to disrupt ANO10 protein function with a negative predictive value of 80%. Experimental studies have shown that this missense change affects ANO10 function (PMID: 32620747). For these reasons, this variant has been classified as Pathogenic.

Women's Health and Genetics/Laboratory Corporation of America, LabCorp
Classification: Pathogenic for Autosomal recessive spinocerebellar ataxia 10. Last evaluated: 2025-07-14. Review status: criteria provided, single submitter. Criteria: LabCorp Variant Classification Summary - May 2015. Collection method: clinical testing. Allele origin: germline.
Comment: Variant summary: ANO10 c.1009T>G (p.Phe337Val) results in a non-conservative amino acid change in the encoded protein sequence. Algorithms developed to predict the effect of missense changes on protein structure and function are either unavailable or do not agree on the potential impact of this missense change. The variant allele was found at a frequency of 4e-06 in 251292 control chromosomes (gnomAD). c.1009T>G has been observed in multiple individuals affected with Autosomal recessive spinocerebellar ataxia 10 (e.g., Renaud_2014, Chamard_2016, Galatolo_2021, Baviera-Munoz_2022). These data indicate that the variant is very likely to be associated with disease. The following publications have been ascertained in the context of this evaluation (PMID: 25089919, 34445196, 36530930, 27045840). ClinVar contains an entry for this variant (Variation ID: 986820). Based on the evidence outlined above, the variant was classified as pathogenic.

Athena Diagnostics
Classification: Likely pathogenic. Last evaluated: 2024-12-31. Review status: criteria provided, single submitter. Criteria: Athena Diagnostics Criteria. Collection method: clinical testing. Allele origin: unknown.
Comment: The frequency of this variant in the general population is consistent with pathogenicity. In multiple individuals with autosomal recessive spinocerebellar ataxia, this variant has been seen with a single recessive pathogenic variant in the same gene, suggesting this variant may also be pathogenic. Assessment of experimental evidence regarding the effect of this variant on protein function is inconclusive (PMID: 32620747).

CeGaT Center for Human Genetics Tuebingen
Classification: Likely pathogenic. Last evaluated: 2023-12-01. Review status: criteria provided, single submitter. Criteria: CeGaT Center For Human Genetics Tuebingen Variant Classification Criteria Version 2. Collection method: clinical testing. Allele origin: germline. Affected: yes. Observed: 1 variant allele.
Comment: ANO10: PM3:Strong, PM2

Molecular Medicine for Neurodegenerative and Neuromuscular Diseases Unit, IRCCS Fondazione Stella Maris
Classification: Likely pathogenic for Autosomal recessive spinocerebellar ataxia 10. Last evaluated: 2021-07-12. Review status: criteria provided, single submitter. Criteria: ACMG Guidelines, 2015. Collection method: research. Allele origin: unknown. Affected: yes.

Institute of Medical Genetics and Applied Genomics, University Hospital Tübingen
Classification: Pathogenic. Last evaluated: 2020-10-23. Review status: criteria provided, single submitter. Criteria: ACMG Guidelines, 2015. Collection method: clinical testing. Allele origin: germline. Inheritance: Unknown mechanism. Affected: yes.

Literature cited by the submitters: PubMed 25089919 (cited by 3 submitters); PubMed 27045840 (cited by 3 submitters); PubMed 34445196 (cited by 3 submitters); PubMed 32620747 (cited by Labcorp Genetics (formerly Invitae), Labcorp and Athena Diagnostics); PubMed 36530930 (cited by Women's Health and Genetics/Laboratory Corporation of America, LabCorp and Athena Diagnostics); PubMed 27142713 (cited by Athena Diagnostics); PubMed 38361118 (cited by Athena Diagnostics).